The following is an entry in ClinVar:

ClinVar aggregate classification (germline): Uncertain significance. Review status: criteria provided, multiple submitters, no conflicts (2 of 4 stars). 6 submissions from 6 submitters: Uncertain significance (5). 1 of the submissions does not count toward it. Last evaluated 2026-02-20.

Conditions:
Medulloblastoma (MDB). Also called: MEDULLOBLASTOMA PREDISPOSITION SYNDROME; Medulloblastoma, somatic. Identifiers: Orphanet 616, MedGen C0025149, MeSH D008527, MONDO:0007959, OMIM 155255, HP:0002885.
Familial dysautonomia. Also called: FD; HSAN III. Identifiers: Orphanet 1764, MedGen C0013364, MONDO:0009131, OMIM 223900. Disease mechanism: loss of function.

Allele frequency attached by ClinVar (database versions not stated): TOPMed 0.00001; gnomAD 0.00002.

Submissions (6):

St. Jude Molecular Pathology, St. Jude Children's Research Hospital
Classification: Uncertain significance for Medulloblastoma. Last evaluated: 2026-02-20. Review status: criteria provided, single submitter. Criteria: St. Jude Assertion Criteria 2020. Collection method: clinical testing. Allele origin: germline.
Comment: The ELP1 c.1141G>A p.(Val381Met) missense change has a maximum subpopulation frequency of 0.015% in gnomAD v2.1.1. The in silico tool REVEL predicts a benign effect on protein function, but to our knowledge this prediction has not been confirmed by functional studies. To our knowledge, this variant has not been reported in individuals with medulloblastoma or familial dysautonomia. In summary, the evidence currently available is insufficient to determine the clinical significance of this variant. It has therefore been cl assified as of uncertain significance.

Ambry Genetics
Classification: Uncertain significance. Last evaluated: 2025-11-23. Review status: criteria provided, single submitter. Criteria: Ambry Variant Classification Scheme 2023. Collection method: clinical testing. Allele origin: germline.

GeneDx
Classification: Uncertain significance. Last evaluated: 2025-01-08. Review status: criteria provided, single submitter. Criteria: GeneDx Variant Classification Process June 2021. Collection method: clinical testing. Allele origin: germline. Affected: yes.
Comment: Not observed at significant frequency in large population cohorts (gnomAD); In silico analysis indicates that this missense variant does not alter protein structure/function; Has not been previously published as pathogenic or benign to our knowledge

Fulgent Genetics
Classification: Uncertain significance for Medulloblastoma; Familial dysautonomia. Last evaluated: 2022-03-31. Review status: criteria provided, single submitter. Criteria: ACMG Guidelines, 2015. Collection method: clinical testing. Allele origin: unknown.

Breakthrough Genomics
Classification: Uncertain significance. Review status: criteria provided, single submitter. Criteria: ACMG Guidelines, 2015. Collection method: not provided. Allele origin: germline. Inheritance: Autosomal recessive inheritance. Affected: yes.

Natera, Inc.
Classification: Uncertain significance for Familial dysautonomia. Last evaluated: 2020-08-19. Review status: no assertion criteria provided. Collection method: clinical testing. Allele origin: germline. Not counted in ClinVar's aggregate classification.

NM_003640.5(ELP1):c.1141G>A (p.Val381Met)

Gene: ELP1 (elongator acetyltransferase complex subunit 1; minus strand). Cytogenetic location: 9q31.3.
Variant type: single nucleotide variant.
Coding change: c.1141G>A on transcript NM_003640.5 (MANE Select); coding-DNA position 1141, G replaced by A.
Protein change: p.Val381Met; replaces valine 381 with methionine.
Molecular consequence: missense variant.
Genome position (GRCh38, 1-based): chr9:108,912,312, C>T on the plus strand (G>A on the coding strand, the complement: ELP1 is on the minus strand). VCF-style: chr9-108912312-C-T. GRCh37 (hg19) VCF-style: chr9-111674592-C-T.
Other names: c.799G>A, p.Val267Met (NM_001318360.2); c.94G>A, p.Val32Met (NM_001330749.2); c.1141G>A (NM_003640.3); short protein forms V267M, V32M, V381M.
Identifiers: ClinVar variation 990661 (VCV000990661.8), dbSNP rs769108524, ClinGen allele CA5175106.